The following is an entry in ClinVar:

NM_000814.6(GABRB3):c.1178T>C (p.Ile393Thr)

Gene: GABRB3 (gamma-aminobutyric acid type A receptor subunit beta3; minus strand). Cytogenetic location: 15q12.
Variant type: single nucleotide variant.
Coding change: c.1178T>C on transcript NM_000814.6 (MANE Select); coding-DNA position 1178, T replaced by C.
Protein change: p.Ile393Thr; replaces isoleucine 393 with threonine.
Molecular consequence: missense variant.
Genome position (GRCh38, 1-based): chr15:26,548,037, A>G on the plus strand (T>C on the coding strand, the complement: GABRB3 is on the minus strand). VCF-style: chr15-26548037-A-G. GRCh37 (hg19) VCF-style: chr15-26793184-A-G.
Other names: c.923T>C, p.Ile308Thr (NM_001191320.2, NM_001278631.2); c.965T>C, p.Ile322Thr (NM_001191321.3); c.1178T>C, p.Ile393Thr (NM_021912.5); short protein forms I308T, I322T, I393T.
Identifiers: ClinVar variation 2114518 (VCV002114518.4), dbSNP rs2504114927, ClinGen allele CA391459116.
Genomic context (GRCh38, chr15:26,548,037, plus strand): 5'-CCATGCCCTTCTCGAGGCATGCTCTGTTTCCTGTACTGGATTCCTGAGTTGTCAAAGGAT[A>G]TTGCTGAATTCCTGGTATCGCCAATGCCGCCTGAGACCTCATTCATTTCATTGTGAACTT-3'
Protein context (NP_000805.1, residues 383-403): GGIGDTRNSA[Ile393Thr]SFDNSGIQYR

ClinVar aggregate classification (germline): Uncertain significance (1 of 4 stars; one submission).

Conditions:
Epilepsy, childhood absence, susceptibility to, 5. Identifiers: Orphanet 64280, MedGen C2677087, MONDO:0012843, OMIM 612269.
Epilepsy, childhood absence, susceptibility to, 1. Also called: Epilepsy, childhood absence 1. Identifiers: Orphanet 64280, MedGen C1838604, MONDO:0020759, OMIM 600131.

Submission:

Labcorp Genetics (formerly Invitae), Labcorp
Classification: Uncertain significance for Epilepsy, childhood absence, susceptibility to, 5; Epilepsy, childhood absence, susceptibility to, 1. Last evaluated: 2022-03-19. Review status: criteria provided, single submitter. Criteria: Invitae Variant Classification Sherloc (09022015). Collection method: clinical testing. Allele origin: germline.
Comment: This sequence change replaces isoleucine, which is neutral and non-polar, with threonine, which is neutral and polar, at codon 393 of the GABRB3 protein (p.Ile393Thr). In summary, the available evidence is currently insufficient to determine the role of this variant in disease. Therefore, it has been classified as a Variant of Uncertain Significance. Advanced modeling of protein sequence and biophysical properties (such as structural, functional, and spatial information, amino acid conservation, physicochemical variation, residue mobility, and thermodynamic stability) performed at Invitae indicates that this missense variant is not expected to disrupt GABRB3 protein function. This variant has not been reported in the literature in individuals affected with GABRB3-related conditions. This variant is not present in population databases (gnomAD no frequency).